The following is an entry in ClinVar:

NM_170606.3(KMT2C):c.14552G>A (p.Cys4851Tyr)

Gene: KMT2C (lysine methyltransferase 2C; minus strand). Cytogenetic location: 7q36.1.
Variant type: single nucleotide variant.
Coding change: c.14552G>A on transcript NM_170606.3 (MANE Select); coding-DNA position 14552, G replaced by A.
Protein change: p.Cys4851Tyr; replaces cysteine 4851 with tyrosine.
Molecular consequence: missense variant.
Genome position (GRCh38, 1-based): chr7:152,138,887, C>T on the plus strand (G>A on the coding strand, the complement: KMT2C is on the minus strand). VCF-style: chr7-152138887-C-T. GRCh37 (hg19) VCF-style: chr7-151835972-C-T.
Other names: short protein forms C4851Y.
Identifiers: ClinVar variation 1704687 (VCV001704687.3), dbSNP rs2129089271, ClinGen allele CA370084976.

ClinVar aggregate classification (germline): Uncertain significance. Review status: criteria provided, multiple submitters, no conflicts (2 of 4 stars). 2 submissions from 2 submitters: Uncertain significance (2). Last evaluated 2024-01-04.

Conditions:
Kleefstra syndrome 2 (KLEFS2). Identifiers: MedGen C4540395, MONDO:0054701, OMIM 617768.

Submissions (2):

Clinical Genomics Laboratory, Washington University in St. Louis
Classification: Uncertain significance for Kleefstra syndrome 2. Last evaluated: 2024-01-04. Review status: criteria provided, single submitter. Criteria: ACMG Guidelines, 2015. Collection method: clinical testing. Allele origin: germline.
Comment: The KMT2C c.14552G>A (p.Cys4851Tyr) variant, to our knowledge, has not been reported in the medical literature and is absent from the general population (gnomAD v.2.1.1), indicating it is not a common variant. Computational predictors indicate that the variant is damaging, evidence that correlates with impact to KMT2C function. This variant has been reported in the ClinVar database as a germline variant of uncertain significance by one submitter. Due to limited information, and based on ACMG/AMP guidelines for variant interpretation (Richards S et al., PMID: 25741868), the clinical significance of this variant is uncertain at this time.

GeneDx
Classification: Uncertain significance. Last evaluated: 2022-03-10. Review status: criteria provided, single submitter. Criteria: GeneDx Variant Classification Process June 2021. Collection method: clinical testing. Allele origin: germline. Affected: yes.
Comment: Has not been previously published as pathogenic or benign to our knowledge; Not observed at significant frequency in large population cohorts (gnomAD); In silico analysis supports that this missense variant has a deleterious effect on protein structure/function